The following is an entry in ClinVar:

NM_020693.4(DSCAML1):c.-30C>T

Gene: DSCAML1 (DS cell adhesion molecule like 1; minus strand). Cytogenetic location: 11q23.3.
Variant type: single nucleotide variant.
Coding change: c.-30C>T on transcript NM_020693.4 (MANE Select); 30 bases upstream of the start codon, C replaced by T.
Molecular consequence: 5 prime UTR variant. On other transcripts: intron variant (1).
Genome position (GRCh38, 1-based): chr11:117,797,109, G>A on the plus strand (C>T on the coding strand, the complement: DSCAML1 is on the minus strand). VCF-style: chr11-117797109-G-A. GRCh37 (hg19) VCF-style: chr11-117667824-G-A.
Other names: c.-30C>T (NM_001367904.1); c.-362-16299C>T (NM_001367905.1).
Identifiers: ClinVar variation 2910606 (VCV002910606.3), dbSNP rs746943769, ClinGen allele CA6297688.

ClinVar aggregate classification (germline): Uncertain significance (1 of 4 stars; one submission).

Allele frequency attached by ClinVar (database versions not stated): ExAC 0.00001; TOPMed 0.00001; gnomAD 0.00002.
gnomAD v4.1: 4 of 1,589,454 alleles (0.00025%); highest among the groups gnomAD compares: African/African-American, 0.0041%; no homozygotes.

Submission:

Labcorp Genetics (formerly Invitae), Labcorp
Classification: Uncertain significance. Last evaluated: 2023-02-14. Review status: criteria provided, single submitter. Criteria: Invitae Variant Classification Sherloc (09022015). Collection method: clinical testing. Allele origin: germline.
Comment: This sequence change replaces proline, which is neutral and non-polar, with serine, which is neutral and polar, at codon 51 of the DSCAML1 protein (p.Pro51Ser). This variant is present in population databases (rs746943769, gnomAD 0.008%). This variant has not been reported in the literature in individuals affected with DSCAML1-related conditions. Experimental studies and prediction algorithms are not available or were not evaluated, and the functional significance of this variant is currently unknown. In summary, the available evidence is currently insufficient to determine the role of this variant in disease. Therefore, it has been classified as a Variant of Uncertain Significance.